The following is an entry in ClinVar:

NM_006005.3(WFS1):c.2625G>A (p.Val875=)

Gene: WFS1 (wolframin ER transmembrane glycoprotein; plus strand). Cytogenetic location: 4p16.1.
Variant type: single nucleotide variant.
Coding change: c.2625G>A on transcript NM_006005.3 (MANE Select); coding-DNA position 2625, G replaced by A.
Protein change: p.Val875=; no amino-acid change (valine 875 retained).
Molecular consequence: synonymous variant.
Genome position (GRCh38, 1-based): chr4:6,302,420, G>A. VCF-style: chr4-6302420-G-A. GRCh37 (hg19) VCF-style: chr4-6304147-G-A.
Other names: c.2625G>A, p.Val875= (NM_001145853.1).
Identifiers: ClinVar variation 760811 (VCV000760811.8), dbSNP rs1264608390, ClinGen allele CA438211578.
Genomic context (GRCh38, chr4:6,302,420, plus strand): 5'-ACCCACCAGGCGGCACGTGAAGATCGAGCACGACTGGCGCAGCACCGTGCATGGCGCCGT[G>A]AAGTTCGCCTTCGACTTCTTTTTCTTCCCATTCCTGTCGGCGGCCTGAGGATGGTCCGCC-3'
Protein context (NP_005996.2, residues 865-885): HDWRSTVHGA[Val875=]KFAFDFFFFP

ClinVar aggregate classification (germline): Benign/Likely benign. Review status: criteria provided, multiple submitters, no conflicts (2 of 4 stars). 2 submissions from 2 submitters: Benign (1); Likely benign (1). Last evaluated 2025-05-03.

Conditions:
Wolfram syndrome 1 (WFS1). Identifiers: Orphanet 3463, MedGen C4551693, MONDO:0009101, OMIM 222300.

Allele frequency attached by ClinVar (database versions not stated): gnomAD exomes below 0.00001; TOPMed below 0.00001; gnomAD 0.00001.
gnomAD v4.1: 7 of 1,613,090 alleles (0.00043%); highest among the groups gnomAD compares: African/African-American, 0.0013%; no homozygotes.

Submissions (2):

Labcorp Genetics (formerly Invitae), Labcorp
Classification: Likely benign. Last evaluated: 2025-05-03. Review status: criteria provided, single submitter. Criteria: Invitae Variant Classification Sherloc (09022015). Collection method: clinical testing. Allele origin: germline.

Clinical Genomics, Uppaluri K&H Personalized Medicine Clinic
Classification: Benign for Wolfram syndrome 1. Review status: criteria provided, single submitter. Criteria: K & H Uppaluri Personalized Medicine Clinic Variant Classification & Assertion Criteria_Updated V.1. Collection method: research. Allele origin: unknown. Inheritance: Autosomal recessive inheritance.
Comment: Potent mutations in WFS1 gene are associated with Wolfram's syndrome, an autosomal recessive condition, which cause diabetes mellitus, diabetes insipidus, deafness and optic atrophy.However no sufficient evidence is found to ascertain the role of this particular variant rs1264608390 in Wolfram's syndrome yet.

Literature cited by the submitters: PubMed 20738327 (cited by Clinical Genomics, Uppaluri K&H Personalized Medicine Clinic); PubMed 33879153 (cited by Clinical Genomics, Uppaluri K&H Personalized Medicine Clinic); PubMed 12955714 (cited by Clinical Genomics, Uppaluri K&H Personalized Medicine Clinic); PubMed 18060660 (cited by Clinical Genomics, Uppaluri K&H Personalized Medicine Clinic); PubMed 20301750 (cited by Clinical Genomics, Uppaluri K&H Personalized Medicine Clinic); PubMed 17603484 (cited by Clinical Genomics, Uppaluri K&H Personalized Medicine Clinic).